The following is an entry in ClinVar:

ClinVar aggregate classification (germline): Uncertain significance (1 of 4 stars; one submission).

Submission:

Labcorp Genetics (formerly Invitae), Labcorp
Classification: Uncertain significance. Last evaluated: 2022-06-08. Review status: criteria provided, single submitter. Criteria: Invitae Variant Classification Sherloc (09022015). Collection method: clinical testing. Allele origin: germline.
Comment: In summary, the available evidence is currently insufficient to determine the role of this variant in disease. Therefore, it has been classified as a Variant of Uncertain Significance. Algorithms developed to predict the effect of missense changes on protein structure and function (SIFT, PolyPhen-2, Align-GVGD) all suggest that this variant is likely to be disruptive. This variant has not been reported in the literature in individuals affected with ACVR1-related conditions. This variant is not present in population databases (gnomAD no frequency). This sequence change replaces lysine, which is basic and polar, with glutamic acid, which is acidic and polar, at codon 340 of the ACVR1 protein (p.Lys340Glu).

NM_001111067.4(ACVR1):c.1018A>G (p.Lys340Glu)

Gene: ACVR1 (activin A receptor type 1; minus strand). Cytogenetic location: 2q24.1.
Variant type: single nucleotide variant.
Coding change: c.1018A>G on transcript NM_001111067.4 (MANE Select); coding-DNA position 1018, A replaced by G.
Protein change: p.Lys340Glu; replaces lysine 340 with glutamic acid.
Molecular consequence: missense variant.
Genome position (GRCh38, 1-based): chr2:157,765,969, T>C on the plus strand (A>G on the coding strand, the complement: ACVR1 is on the minus strand). VCF-style: chr2-157765969-T-C. GRCh37 (hg19) VCF-style: chr2-158622481-T-C.
Other names: c.1018A>G, p.Lys340Glu (NM_001105.5, NM_001347663.1, NM_001347664.1 and 3 more transcripts); short protein forms K340E.
Identifiers: ClinVar variation 2003393 (VCV002003393.4), dbSNP rs2467932303, ClinGen allele CA349189988.